The following is an entry in ClinVar:

NM_006899.5(IDH3B):c.857G>A (p.Gly286Glu)

Gene: IDH3B (isocitrate dehydrogenase (NAD(+)) 3 non-catalytic subunit beta; minus strand). Cytogenetic location: 20p13.
Variant type: single nucleotide variant.
Coding change: c.857G>A on transcript NM_006899.5 (MANE Select); coding-DNA position 857, G replaced by A.
Protein change: p.Gly286Glu; replaces glycine 286 with glutamic acid.
Molecular consequence: missense variant. On other transcripts: non-coding transcript variant (1).
Genome position (GRCh38, 1-based): chr20:2,660,088, C>T on the plus strand (G>A on the coding strand, the complement: IDH3B is on the minus strand). VCF-style: chr20-2660088-C-T. GRCh37 (hg19) VCF-style: chr20-2640734-C-T.
Other names: c.857G>A, p.Gly286Glu (NM_001258384.3, NM_001330763.2, NM_174855.4); short protein forms G286E.
Identifiers: ClinVar variation 977509 (VCV000977509.10), dbSNP rs774471320, ClinGen allele CA9735163.

ClinVar aggregate classification (germline): Uncertain significance. Review status: criteria provided, multiple submitters, no conflicts (2 of 4 stars). 3 submissions from 3 submitters: Uncertain significance (2). 1 of the submissions does not count toward it. Last evaluated 2025-09-15.

Conditions:
Retinitis pigmentosa 46 (RP46). Also called: RETINITIS PIGMENTOSA, AUTOSOMAL RECESSIVE, IDH3B-RELATED. Identifiers: Orphanet 791, MedGen C2675496, MONDO:0012943, OMIM 612572.

Allele frequency attached by ClinVar (database versions not stated): TOPMed below 0.00001; ExAC 0.00003; gnomAD exomes 0.00003.

Submissions (3):

Labcorp Genetics (formerly Invitae), Labcorp
Classification: Uncertain significance. Last evaluated: 2025-09-15. Review status: criteria provided, single submitter. Criteria: Invitae Variant Classification Sherloc (09022015). Collection method: clinical testing. Allele origin: germline.
Comment: This sequence change replaces glycine, which is neutral and non-polar, with glutamic acid, which is acidic and polar, at codon 286 of the IDH3B protein (p.Gly286Glu). This variant is present in population databases (rs774471320, gnomAD 0.02%). This missense change has been observed in individual(s) with autosomal recessive retinitis pigmentosa (PMID: 31736247). ClinVar contains an entry for this variant (Variation ID: 977509). Invitae Evidence Modeling of protein sequence and biophysical properties (such as structural, functional, and spatial information, amino acid conservation, physicochemical variation, residue mobility, and thermodynamic stability) indicates that this missense variant is expected to disrupt IDH3B protein function with a positive predictive value of 80%. In summary, the available evidence is currently insufficient to determine the role of this variant in disease. Therefore, it has been classified as a Variant of Uncertain Significance.

Women's Health and Genetics/Laboratory Corporation of America, LabCorp
Classification: Uncertain significance. Last evaluated: 2024-05-29. Review status: criteria provided, single submitter. Criteria: LabCorp Variant Classification Summary - May 2015. Collection method: clinical testing. Allele origin: germline.
Comment: Variant summary: IDH3B c.857G>A (p.Gly286Glu) results in a non-conservative amino acid change located in the Isopropylmalate dehydrogenase-like domain (IPR024084) of the encoded protein sequence. Five of five in-silico tools predict a damaging effect of the variant on protein function. The variant allele was found at a frequency of 2.8e-05 in 251486 control chromosomes. c.857G>A has been reported in the literature as homozygous in an individual affected with Retinal dystrophies (example: Zenteno_2020). These data indicate that the variant may be associated with disease. To our knowledge, no experimental evidence demonstrating an impact on protein function has been reported. The following publication has been ascertained in the context of this evaluation (PMID: 31736247). ClinVar contains an entry for this variant (Variation ID: 977509). Based on the evidence outlined above, the variant was classified as VUS-possibly pathogenic.

OMIM
Classification: Pathogenic for RETINITIS PIGMENTOSA 46. Last evaluated: 2020-09-09. Review status: no assertion criteria provided. Collection method: literature only. Allele origin: germline. Not counted in ClinVar's aggregate classification.

Literature cited by the submitters: PubMed 31736247 (cited by 3 submitters).